The following is an entry in ClinVar:

ClinVar aggregate classification (germline): Uncertain significance (1 of 4 stars; one submission).

Conditions:
Neuropathy, hereditary sensory, type 1F. Also called: HSN IF; Hereditary sensory neuropathy type IF. Identifiers: Orphanet 36386, MedGen C3810194, MONDO:0014286, OMIM 615632.

Allele frequency attached by ClinVar (database versions not stated): gnomAD 0.00001; TOPMed 0.00001.

Submission:

Labcorp Genetics (formerly Invitae), Labcorp
Classification: Uncertain significance for Neuropathy, hereditary sensory, type 1F. Last evaluated: 2020-09-09. Review status: criteria provided, single submitter. Criteria: Invitae Variant Classification Sherloc (09022015). Collection method: clinical testing. Allele origin: germline.
Comment: In summary, the available evidence is currently insufficient to determine the role of this variant in disease. Therefore, it has been classified as a Variant of Uncertain Significance. Algorithms developed to predict the effect of missense changes on protein structure and function (SIFT, PolyPhen-2, Align-GVGD) all suggest that this variant is likely to be disruptive, but these predictions have not been confirmed by published functional studies and their clinical significance is uncertain. This variant has not been reported in the literature in individuals with ATL3-related conditions. This variant is not present in population databases (ExAC no frequency). This sequence change replaces alanine with serine at codon 357 of the ATL3 protein (p.Ala357Ser). The alanine residue is highly conserved and there is a moderate physicochemical difference between alanine and serine.

NM_015459.5(ATL3):c.1069G>T (p.Ala357Ser)

Genes: ATL3 (atlastin GTPase 3; minus strand), LNCROPM (lncRNA regulator of PLAAT3 mediated phospholipid metabolism; plus strand). Cytogenetic location: 11q13.1.
Variant type: single nucleotide variant.
Coding change: c.1069G>T on transcript NM_015459.5 (MANE Select); coding-DNA position 1069, G replaced by T.
Protein change: p.Ala357Ser; replaces alanine 357 with serine.
Molecular consequence: missense variant.
Genome position (GRCh38, 1-based): chr11:63,633,064, C>A on the plus strand (G>T on the coding strand, the complement: ATL3 is on the minus strand). VCF-style: chr11-63633064-C-A. GRCh37 (hg19) VCF-style: chr11-63400536-C-A.
Other names: c.1015G>T, p.Ala339Ser (NM_001290048.2); short protein forms A339S, A357S.
Identifiers: ClinVar variation 1016301 (VCV001016301.8), dbSNP rs1161635794, ClinGen allele CA381025782.
Genomic context (GRCh38, chr11:63,633,064, plus strand): 5'-ATAAGGCGTATGTCCCACGTACCTCTTCCATGTTGTTATAATAAATGTCCTTGGCAGAGG[C>A]TGCAGCTGCTAAGTTGTTGGCTTCAGCAGTGGCCTTTTAAGAGAGAAAAACGTGAACTGT-3'
Protein context (NP_056274.3, residues 347-367): TAEANNLAAA[Ala357Ser]SAKDIYYNNM